The following is an entry in ClinVar:

ClinVar aggregate classification (germline): Likely pathogenic (1 of 4 stars; one submission).

Conditions:
Intellectual developmental disorder, autosomal dominant 52. Also called: Intellectual disability, autosomal dominant 52; Mental retardation, autosomal dominant 52. Identifiers: MedGen C4540478, MONDO:0030918, OMIM 617796.

Submission:

3billion
Classification: Likely pathogenic for Intellectual developmental disorder, autosomal dominant 52. Last evaluated: 2025-10-26. Review status: criteria provided, single submitter. Criteria: ACMG Guidelines, 2015. Collection method: clinical testing. Allele origin: germline. Affected: yes.
Comment: The variant is not observed in the gnomAD v4.1.0 dataset. Predicted Consequence/Location: Frameshift: predicted to result in a loss or disruption of normal protein function through nonsense-mediated decay (NMD) or protein truncation. Multiple pathogenic variants are reported downstream of the variant. Therefore, this variant is classified as Likely pathogenic according to the recommendation of ACMG/AMP guideline.

NM_018489.3(ASH1L):c.2149_2155del (p.Pro717fs)

Gene: ASH1L (ASH1 like histone lysine methyltransferase; minus strand). Cytogenetic location: 1q22.
Variant type: Deletion.
Coding change: c.2149_2155del on transcript NM_018489.3 (MANE Select); coding-DNA positions 2149 to 2155, 7 bases deleted (CCTCGGT; older notation c.2149_2155delCCTCGGT).
Protein change: p.Pro717fs; shifts the reading frame from proline 717.
Molecular consequence: frameshift variant.
Genome position (GRCh38, 1-based): chr1:155,480,715-155,480,721, ACCGAGG deleted on the plus strand (CCTCGGT on the coding strand, the reverse complement: ASH1L is on the minus strand). VCF-style (leftmost placement, unchanged base first): chr1-155480714-CACCGAGG-C. GRCh37 (hg19) VCF-style: chr1-155450505-CACCGAGG-C.
Other names: c.2149_2155del, p.Pro717fs (NM_001366177.2); short protein forms P717fs.
Identifiers: ClinVar variation 4854722 (VCV004854722.1).